The following is an entry in ClinVar:

ClinVar aggregate classification (germline): Uncertain significance (1 of 4 stars; one submission).

Submission:

Labcorp Genetics (formerly Invitae), Labcorp
Classification: Uncertain significance. Last evaluated: 2023-10-23. Review status: criteria provided, single submitter. Criteria: Invitae Variant Classification Sherloc (09022015). Collection method: clinical testing. Allele origin: germline.
Comment: This sequence change replaces asparagine, which is neutral and polar, with histidine, which is basic and polar, at codon 329 of the FH protein (p.Asn329His). This variant is not present in population databases (gnomAD no frequency). This variant has not been reported in the literature in individuals affected with FH-related conditions. Advanced modeling of protein sequence and biophysical properties (such as structural, functional, and spatial information, amino acid conservation, physicochemical variation, residue mobility, and thermodynamic stability) performed at Invitae indicates that this missense variant is expected to disrupt FH protein function with a positive predictive value of 95%. In summary, the available evidence is currently insufficient to determine the role of this variant in disease. Therefore, it has been classified as a Variant of Uncertain Significance.

NM_000143.4(FH):c.985A>C (p.Asn329His)

Gene: FH (fumarate hydratase; minus strand). Cytogenetic location: 1q43.
Variant type: single nucleotide variant.
Coding change: c.985A>C on transcript NM_000143.4 (MANE Select); coding-DNA position 985, A replaced by C.
Protein change: p.Asn329His; replaces asparagine 329 with histidine.
Molecular consequence: missense variant.
Genome position (GRCh38, 1-based): chr1:241,504,165, T>G on the plus strand (A>C on the coding strand, the complement: FH is on the minus strand). VCF-style: chr1-241504165-T-G. GRCh37 (hg19) VCF-style: chr1-241667465-T-G.
Other names: short protein forms N329H.
Identifiers: ClinVar variation 2771211 (VCV002771211.3), dbSNP rs2527319552, ClinGen allele CA345438281.